The following is an entry in ClinVar:

NM_001127649.3(PEX26):c.371+6T>C

Gene: PEX26 (peroxisomal biogenesis factor 26; plus strand). Cytogenetic location: 22q11.21.
Variant type: single nucleotide variant.
Coding change: c.371+6T>C on transcript NM_001127649.3 (MANE Select); 6 bases into the intron after coding-DNA position 371, T replaced by C.
Molecular consequence: intron variant.
Genome position (GRCh38, 1-based): chr22:18,080,020, T>C. VCF-style: chr22-18080020-T-C. GRCh37 (hg19) VCF-style: chr22-18562786-T-C.
Other names: c.371+6T>C (NM_017929.6, NM_001199319.2).
Identifiers: ClinVar variation 951220 (VCV000951220.10), dbSNP rs1769569086, ClinGen allele CA1139666954.
Genomic context (GRCh38, chr22:18,080,020, plus strand): 5'-TCCTTCAGTATTACCAGGTCCCTGAAAAGCTACCCCCCAAAGTCCTGGAGCTGTGGTAAG[T>C]CTTCTTTGCTGACTCATCAGATCGGTTCAGAAACGAGAGGATTTTCATCTCCTCTCCTAA-3'

ClinVar aggregate classification (germline): Uncertain significance. Review status: criteria provided, multiple submitters, no conflicts (2 of 4 stars). 2 submissions from 2 submitters: Uncertain significance (2). Last evaluated 2024-09-08.

Conditions:
Peroxisome biogenesis disorder 7A (Zellweger). Also called: Peroxisome biogenesis disorder 7A. Identifiers: Orphanet 912, MedGen C3888385, MONDO:0013938, OMIM 614872.
Peroxisome biogenesis disorder 7B (PBD7B). Identifiers: Orphanet 44, MedGen C3553951, MONDO:0013939, OMIM 614873.

Allele frequency attached by ClinVar (database versions not stated): gnomAD exomes below 0.00001.
gnomAD v4.1: 2 of 1,614,058 alleles (0.00012%); highest among the groups gnomAD compares: African/African-American, 0.0027%; no homozygotes.

Submissions (2):

Women's Health and Genetics/Laboratory Corporation of America, LabCorp
Classification: Uncertain significance. Last evaluated: 2024-09-08. Review status: criteria provided, single submitter. Criteria: LabCorp Variant Classification Summary - May 2015. Collection method: clinical testing. Allele origin: germline.

Labcorp Genetics (formerly Invitae), Labcorp
Classification: Uncertain significance for Peroxisome biogenesis disorder 7A (Zellweger); Peroxisome biogenesis disorder 7B. Last evaluated: 2022-06-27. Review status: criteria provided, single submitter. Criteria: Invitae Variant Classification Sherloc (09022015). Collection method: clinical testing. Allele origin: germline.
Comment: In summary, the available evidence is currently insufficient to determine the role of this variant in disease. Therefore, it has been classified as a Variant of Uncertain Significance. Variants that disrupt the consensus splice site are a relatively common cause of aberrant splicing (PMID: 17576681, 9536098). Algorithms developed to predict the effect of sequence changes on RNA splicing suggest that this variant is not likely to affect RNA splicing. ClinVar contains an entry for this variant (Variation ID: 951220). This variant has not been reported in the literature in individuals affected with PEX26-related conditions. This variant is not present in population databases (gnomAD no frequency). This sequence change falls in intron 3 of the PEX26 gene. It does not directly change the encoded amino acid sequence of the PEX26 protein. It affects a nucleotide within the consensus splice site.

Literature cited by the submitters: PubMed 17576681 (cited by Labcorp Genetics (formerly Invitae), Labcorp); PubMed 9536098 (cited by Labcorp Genetics (formerly Invitae), Labcorp).